The following is an entry in ClinVar:

NM_000642.3(AGL):c.2768A>G (p.Tyr923Cys)

Gene: AGL (amylo-alpha-1,6-glucosidase and 4-alpha-glucanotransferase; plus strand). Cytogenetic location: 1p21.2.
Variant type: single nucleotide variant.
Coding change: c.2768A>G on transcript NM_000642.3 (MANE Select); coding-DNA position 2768, A replaced by G.
Protein change: p.Tyr923Cys; replaces tyrosine 923 with cysteine.
Molecular consequence: missense variant.
Genome position (GRCh38, 1-based): chr1:99,888,064, A>G. VCF-style: chr1-99888064-A-G. GRCh37 (hg19) VCF-style: chr1-100353620-A-G.
Other names: c.2768A>G, p.Tyr923Cys (NM_000028.3, NM_000643.3, NM_000644.3 and 2 more transcripts); c.2720A>G, p.Tyr907Cys (NM_000646.3); c.2567A>G, p.Tyr856Cys (NM_001425327.1); c.2564A>G, p.Tyr855Cys (NM_001425328.1); c.2429A>G, p.Tyr810Cys (NM_001425329.1); c.2390A>G, p.Tyr797Cys (NM_001425332.1); short protein forms Y907C, Y923C, Y797C, Y810C, Y855C, Y856C.
Identifiers: ClinVar variation 1375274 (VCV001375274.3), dbSNP rs2100779074, ClinGen allele CA341323171.

ClinVar aggregate classification (germline): Uncertain significance (1 of 4 stars; one submission).

Conditions:
Glycogen storage disease type III (GSD3). Also called: Cori disease; FORBES DISEASE. Identifiers: Orphanet 366, MedGen C0017922, MONDO:0009291, OMIM 232400.

Allele frequency attached by ClinVar (database versions not stated): gnomAD exomes below 0.00001.
gnomAD v4.1: 2 of 1,613,554 alleles (0.00012%); highest among the groups gnomAD compares: South Asian, 0.0011%; no homozygotes.

Submission:

Labcorp Genetics (formerly Invitae), Labcorp
Classification: Uncertain significance for Glycogen storage disease type III. Last evaluated: 2021-08-15. Review status: criteria provided, single submitter. Criteria: Invitae Variant Classification Sherloc (09022015). Collection method: clinical testing. Allele origin: germline.
Comment: This sequence change replaces tyrosine with cysteine at codon 923 of the AGL protein (p.Tyr923Cys). The tyrosine residue is highly conserved and there is a large physicochemical difference between tyrosine and cysteine. This variant is not present in population databases (ExAC no frequency). This variant has not been reported in the literature in individuals affected with AGL-related conditions. Algorithms developed to predict the effect of missense changes on protein structure and function are either unavailable or do not agree on the potential impact of this missense change (SIFT: "Deleterious"; PolyPhen-2: "Probably Damaging"; Align-GVGD: "Class C0"). In summary, the available evidence is currently insufficient to determine the role of this variant in disease. Therefore, it has been classified as a Variant of Uncertain Significance.